The following is an entry in ClinVar:

NM_001060.6(TBXA2R):c.1016G>A (p.Arg339His)

Gene: TBXA2R (thromboxane A2 receptor; minus strand). Cytogenetic location: 19p13.3.
Variant type: single nucleotide variant.
Coding change: c.1016G>A on transcript NM_001060.6 (MANE Select); coding-DNA position 1016, G replaced by A.
Protein change: p.Arg339His; replaces arginine 339 with histidine.
Molecular consequence: missense variant. On other transcripts: intron variant (1).
Genome position (GRCh38, 1-based): chr19:3,595,704, C>T on the plus strand (G>A on the coding strand, the complement: TBXA2R is on the minus strand). VCF-style: chr19-3595704-C-T. GRCh37 (hg19) VCF-style: chr19-3595702-C-T.
Other names: c.983+33G>A (NM_201636.3); short protein forms R339H.
Identifiers: ClinVar variation 2071037 (VCV002071037.4), dbSNP rs563919263, ClinGen allele CA9080716.

ClinVar aggregate classification (germline): Uncertain significance (1 of 4 stars; one submission).

Allele frequency attached by ClinVar (database versions not stated): ExAC 0.00006; 1000 Genomes Project 30x 0.00016; 1000 Genomes Project 0.00020.

Submission:

Labcorp Genetics (formerly Invitae), Labcorp
Classification: Uncertain significance. Last evaluated: 2025-08-06. Review status: criteria provided, single submitter. Criteria: Invitae Variant Classification Sherloc (09022015). Collection method: clinical testing. Allele origin: germline.
Comment: This sequence change replaces arginine, which is basic and polar, with histidine, which is basic and polar, at codon 339 of the TBXA2R protein (p.Arg339His). This variant is present in population databases (rs563919263, gnomAD 0.02%). This variant has not been reported in the literature in individuals affected with TBXA2R-related conditions. ClinVar contains an entry for this variant (Variation ID: 2071037). An algorithm developed to predict the effect of missense changes on protein structure and function (PolyPhen-2) suggests that this variant is likely to be tolerated. In summary, the available evidence is currently insufficient to determine the role of this variant in disease. Therefore, it has been classified as a Variant of Uncertain Significance.